The following is an entry in ClinVar:

ClinVar aggregate classification (germline): Uncertain significance (1 of 4 stars; one submission).

Conditions:
Nephronophthisis 14 (NPHP14). Identifiers: Orphanet 2318, MedGen C3539071, MONDO:0013916, OMIM 614844.

Submission:

Labcorp Genetics (formerly Invitae), Labcorp
Classification: Uncertain significance for Nephronophthisis 14. Last evaluated: 2024-11-05. Review status: criteria provided, single submitter. Criteria: Invitae Variant Classification Sherloc (09022015). Collection method: clinical testing. Allele origin: germline.
Comment: This sequence change replaces valine, which is neutral and non-polar, with isoleucine, which is neutral and non-polar, at codon 408 of the ZNF423 protein (p.Val408Ile). This variant is not present in population databases (gnomAD no frequency). This variant has not been reported in the literature in individuals affected with ZNF423-related conditions. ClinVar contains an entry for this variant (Variation ID: 1042316). Invitae Evidence Modeling of protein sequence and biophysical properties (such as structural, functional, and spatial information, amino acid conservation, physicochemical variation, residue mobility, and thermodynamic stability) indicates that this missense variant is not expected to disrupt ZNF423 protein function with a negative predictive value of 80%. In summary, the available evidence is currently insufficient to determine the role of this variant in disease. Therefore, it has been classified as a Variant of Uncertain Significance.

NM_001379286.1(ZNF423):c.1246G>A (p.Val416Ile)

Gene: ZNF423 (zinc finger protein 423; minus strand). Cytogenetic location: 16q12.1.
Variant type: single nucleotide variant.
Coding change: c.1246G>A on transcript NM_001379286.1 (MANE Select); coding-DNA position 1246, G replaced by A.
Protein change: p.Val416Ile; replaces valine 416 with isoleucine.
Molecular consequence: missense variant.
Genome position (GRCh38, 1-based): chr16:49,637,930, C>T on the plus strand (G>A on the coding strand, the complement: ZNF423 is on the minus strand). VCF-style: chr16-49637930-C-T. GRCh37 (hg19) VCF-style: chr16-49671841-C-T.
Other names: c.1042G>A, p.Val348Ile (NM_001271620.2); c.871G>A, p.Val291Ile (NM_001330533.2); c.1222G>A, p.Val408Ile (NM_015069.5); short protein forms V291I, V408I, V348I, V416I.
Identifiers: ClinVar variation 1042316 (VCV001042316.5), dbSNP rs752582625, ClinGen allele CA395850021.